The following is an entry in ClinVar:

NM_024642.5(GALNT12):c.732-2A>G

Gene: GALNT12 (polypeptide N-acetylgalactosaminyltransferase 12; plus strand). Cytogenetic location: 9q22.33.
Variant type: single nucleotide variant.
Coding change: c.732-2A>G on transcript NM_024642.5 (MANE Select); the canonical splice acceptor site of the intron before coding-DNA position 732, A replaced by G.
Molecular consequence: splice acceptor variant.
Genome position (GRCh38, 1-based): chr9:98,831,770, A>G. VCF-style: chr9-98831770-A-G. GRCh37 (hg19) VCF-style: chr9-101594052-A-G.
Identifiers: ClinVar variation 826967 (VCV000826967.4), dbSNP rs1588449802, ClinGen allele CA374217878.
Genomic context (GRCh38, chr9:98,831,770, plus strand): 5'-CAATTGTCTTCCTGCTGCCCGTCTGCATAGGAGAGACGGATGGATGTCTTGGGTGCTTTC[A>G]GGATCCATGAAGAGGAGTCGGCAGTGGTGTGCCCGGTGATTGATGTGATCGACTGGAACA-3'

ClinVar aggregate classification (germline): Uncertain significance (1 of 4 stars; one submission).

Allele frequency attached by ClinVar (database versions not stated): gnomAD exomes 0.00001.
gnomAD v4.1: 8 of 1,614,176 alleles (0.0005%); highest among the groups gnomAD compares: African/African-American, 0.0013%; no homozygotes.

Submission:

Ambry Genetics
Classification: Uncertain significance. Last evaluated: 2018-11-12. Review status: criteria provided, single submitter. Criteria: Ambry Variant Classification Scheme 2023. Collection method: clinical testing. Allele origin: germline.
Comment: The c.732-2A>G intronic variant results from an A to G substitution two nucleotides upstream from coding exon 4 in the GALNT12 gene. This nucleotide position is highly conserved in available vertebrate species. Using the BDGP and ESEfinder splice site prediction tools, this alteration is predicted to abolish the native splice acceptor site; however, direct evidence is unavailable. Alterations that disrupt the canonical splice site are expected to cause aberrant splicing, resulting in an abnormal protein or a transcript that is subject to nonsense-mediated mRNA decay. However, loss of function of GALNT12 has not been clearly established as a mechanism of disease. Since supporting evidence is limited at this time, the clinical significance of this alteration remains unclear.